The following is an entry in ClinVar:

NM_001034116.2(EIF2B4):c.1014-7A>G

Genes: EIF2B4 (eukaryotic translation initiation factor 2B subunit delta; minus strand), GTF3C2-AS2 (GTF3C2 antisense RNA 2; plus strand). Cytogenetic location: 2p23.3.
Variant type: single nucleotide variant.
Coding change: c.1014-7A>G on transcript NM_001034116.2 (MANE Select); 7 bases into the intron before coding-DNA position 1014, A replaced by G.
Molecular consequence: intron variant.
Genome position (GRCh38, 1-based): chr2:27,366,943, T>C on the plus strand (A>G on the coding strand, the complement: EIF2B4 is on the minus strand). VCF-style: chr2-27366943-T-C. GRCh37 (hg19) VCF-style: chr2-27589810-T-C.
Other names: p.?; c.921-7A>G (NM_001318967.2); c.1011-7A>G (NM_015636.4); c.396-7A>G (NM_001318969.2); c.969-7A>G (NM_001318966.2); c.1074-7A>G (NM_172195.4); c.429-7A>G (NM_001318968.2); c.1077-7A>G (NM_001318965.2).
Identifiers: ClinVar variation 95736 (VCV000095736.24), dbSNP rs2280737, ClinGen allele CA148783.

ClinVar aggregate classification (germline): Benign. Review status: criteria provided, multiple submitters, no conflicts (2 of 4 stars). 9 submissions from 9 submitters: Benign (9). Last evaluated 2026-02-04.

Conditions:
Vanishing white matter disease. Also called: CACH syndrome; Childhood ataxia with diffuse central nervous system hypomyelination; Leukoencephalopathy with vanishing white matter; CACH/VWM syndrome; Cree leukoencehalopathy. Identifiers: Orphanet 135, Orphanet 99853, MedGen C1858991, MONDO:0800448.

Allele frequency attached by ClinVar (database versions not stated): 1000 Genomes Project 0.38339; gnomAD exomes 0.38786 and 0.39997; 1000 Genomes Project 30x 0.39225; ExAC 0.39860; gnomAD 0.41233 and 0.41637; TOPMed 0.41491; ESP Exome Variant Server 0.41588.
gnomAD v4.1: 628,762 of 1,613,664 alleles (39%); highest among the groups gnomAD compares: Admixed American, 52%; 125,907 homozygotes.

Submissions (9):

Labcorp Genetics (formerly Invitae), Labcorp
Classification: Benign. Last evaluated: 2026-02-04. Review status: criteria provided, single submitter. Criteria: Invitae Variant Classification Sherloc (09022015). Collection method: clinical testing. Allele origin: germline.

Mayo Clinic Laboratories, Mayo Clinic
Classification: Benign. Last evaluated: 2023-01-16. Review status: criteria provided, single submitter. Criteria: ACMG Guidelines, 2015. Collection method: clinical testing. Allele origin: germline. Observed: 312 variant alleles.
Comment: BA1, BP4, BP7

Genome-Nilou Lab
Classification: Benign for Leukoencephalopathy with vanishing white matter 1. Last evaluated: 2021-07-30. Review status: criteria provided, single submitter. Criteria: ACMG Guidelines, 2015. Collection method: clinical testing. Allele origin: germline. Affected: no.

GeneDx
Classification: Benign. Last evaluated: 2021-05-04. Review status: criteria provided, single submitter. Criteria: GeneDx Variant Classification Process June 2021. Collection method: clinical testing. Allele origin: germline. Affected: yes.
Comment: This variant is associated with the following publications: (PMID: 28008009)

Illumina Laboratory Services, Illumina
Classification: Benign for Leukoencephalopathy with vanishing white matter 1. Last evaluated: 2018-01-13. Review status: criteria provided, single submitter. Criteria: ICSL Variant Classification Criteria 13 December 2019. Collection method: clinical testing. Allele origin: germline.
Comment: This variant was observed in the ICSL laboratory as part of a predisposition screen in an ostensibly healthy population. It had not been previously curated by ICSL or reported in the Human Gene Mutation Database (HGMD: prior to June 1st, 2018), and was therefore a candidate for classification through an automated scoring system. Utilizing variant allele frequency, disease prevalence and penetrance estimates, and inheritance mode, an automated score was calculated to assess if this variant is too frequent to cause the disease. Based on the score and internal cut-off values, a variant classified as benign is not then subjected to further curation. The score for this variant resulted in a classification of benign for this disease.

Athena Diagnostics
Classification: Benign. Last evaluated: 2017-09-13. Review status: criteria provided, single submitter. Criteria: Athena Diagnostics Criteria. Collection method: clinical testing. Allele origin: germline.

Eurofins Ntd Llc (ga)
Classification: Benign. Last evaluated: 2014-12-19. Review status: criteria provided, single submitter. Criteria: EGL Classification Definitions 2015. Collection method: clinical testing. Allele origin: germline. Observed: 32 variant alleles, 21 heterozygotes, 11 homozygotes.

Breakthrough Genomics
Classification: Benign. Review status: criteria provided, single submitter. Criteria: ACMG Guidelines, 2015. Collection method: not provided. Allele origin: germline. Inheritance: Autosomal recessive inheritance. Affected: yes.

PreventionGenetics, part of Exact Sciences
Classification: Benign. Review status: criteria provided, single submitter. Criteria: ACMG Guidelines, 2015. Collection method: clinical testing. Allele origin: germline.

Literature cited by the submitters: PubMed 28008009 (cited by Athena Diagnostics).